The following is an entry in ClinVar:

NM_006231.4(POLE):c.3605A>T (p.Glu1202Val)

Gene: POLE (DNA polymerase epsilon, catalytic subunit; minus strand). Cytogenetic location: 12q24.33.
Variant type: single nucleotide variant.
Coding change: c.3605A>T on transcript NM_006231.4 (MANE Select); coding-DNA position 3605, A replaced by T.
Protein change: p.Glu1202Val; replaces glutamic acid 1202 with valine.
Molecular consequence: missense variant.
Genome position (GRCh38, 1-based): chr12:132,649,867, T>A on the plus strand (A>T on the coding strand, the complement: POLE is on the minus strand). VCF-style: chr12-132649867-T-A. GRCh37 (hg19) VCF-style: chr12-133226453-T-A.
Other names: short protein forms E1202V.
Identifiers: ClinVar variation 3308347 (VCV003308347.1).
Genomic context (GRCh38, chr12:132,649,867, plus strand): 5'-TGAGGCAGCTTTACGAGGCCGAAGTCCTCCATGTCAGGAGCACTTGGCCTCGGACTGTCT[T>A]CTGAGGCCTCGGCCATCGTGACCTGGAAAGACCCAGTGAAGCCTTAAATCTCAGGATCTC-3'
Protein context (NP_006222.2, residues 1192-1212): RRQVTMAEAS[Glu1202Val]DSPRPSAPDM

ClinVar aggregate classification (germline): Uncertain significance (1 of 4 stars; one submission).

Conditions:
Hereditary cancer-predisposing syndrome. Also called: Tumor predisposition; Hereditary Cancer Syndrome; Hereditary neoplastic syndrome; Neoplastic Syndromes, Hereditary. Identifiers: Orphanet 140162, MedGen C0027672, MeSH D009386, MONDO:0015356.

Submission:

Ambry Genetics
Classification: Uncertain significance for Hereditary cancer-predisposing syndrome. Last evaluated: 2024-05-23. Review status: criteria provided, single submitter. Criteria: Ambry Variant Classification Scheme 2023. Collection method: clinical testing. Allele origin: germline.
Comment: The p.E1202V variant (also known as c.3605A>T), located in coding exon 30 of the POLE gene, results from an A to T substitution at nucleotide position 3605. The glutamic acid at codon 1202 is replaced by valine, an amino acid with dissimilar properties. This amino acid position is conserved. In addition, this alteration is predicted to be tolerated by in silico analysis. Based on the available evidence, the clinical significance of this variant remains unclear.